The following is an entry in ClinVar:

ClinVar aggregate classification (germline): Uncertain significance (1 of 4 stars; one submission).

Submission:

GeneDx
Classification: Uncertain significance. Last evaluated: 2017-06-13. Review status: criteria provided, single submitter. Criteria: GeneDx Variant Classification (06012015). Collection method: clinical testing. Allele origin: germline. Affected: yes.
Comment: The I264R variant in the SLC9A6 gene has not been reported previously as a pathogenic variant, nor as a benign variant, to our knowledge.This variant is not observed in large population cohorts (Lek et al., 2016; 1000 Genomes Consortium et al., 2015; Exome Variant Server). The I264R variant is a non-conservative amino acid substitution, which is likely to impact secondary protein structure as these residues differ in polarity, charge, size and/or other properties. This substitution occurs at a position where amino acids with similar properties to Isoleucine are tolerated across species. In silico analysis predicts this variant is probably damaging to the protein structure/function. We interpret I264R as a variant of uncertain significance.

NM_001379110.1(SLC9A6):c.731T>G (p.Ile244Arg)

Gene: SLC9A6 (solute carrier family 9 member A6; plus strand). Cytogenetic location: Xq26.3.
Variant type: single nucleotide variant.
Coding change: c.731T>G on transcript NM_001379110.1 (MANE Select); coding-DNA position 731, T replaced by G.
Protein change: p.Ile244Arg; replaces isoleucine 244 with arginine.
Molecular consequence: missense variant.
Genome position (GRCh38, 1-based): chrX:136,002,201, T>G. VCF-style: chrX-136002201-T-G. GRCh37 (hg19) VCF-style: chrX-135084360-T-G.
Other names: c.887T>G, p.Ile296Arg (NM_001042537.2); c.731T>G, p.Ile244Arg (NM_001177651.2); c.635T>G, p.Ile212Arg (NM_001330652.2); c.791T>G, p.Ile264Arg (NM_006359.3); short protein forms I264R, I296R, I212R, I244R.
Identifiers: ClinVar variation 432762 (VCV000432762.2), dbSNP rs1556617452, ClinGen allele CA414750608.